The following is an entry in ClinVar:

ClinVar aggregate classification (germline): Uncertain significance (1 of 4 stars; one submission).

Allele frequency attached by ClinVar (database versions not stated): ExAC 0.00001; gnomAD 0.00003; gnomAD exomes 0.00003; TOPMed 0.00005; ESP Exome Variant Server 0.00008; 1000 Genomes Project 0.00020; 1000 Genomes Project 30x 0.00031.
gnomAD v4.1: 48 of 1,612,938 alleles (0.003%); highest among the groups gnomAD compares: Admixed American, 0.005%; no homozygotes.

Submission:

Labcorp Genetics (formerly Invitae), Labcorp
Classification: Uncertain significance. Last evaluated: 2026-02-02. Review status: criteria provided, single submitter. Criteria: Invitae Variant Classification Sherloc (09022015). Collection method: clinical testing. Allele origin: germline.
Comment: This sequence change replaces alanine, which is neutral and non-polar, with threonine, which is neutral and polar, at codon 365 of the PCK2 protein (p.Ala365Thr). This variant is present in population databases (rs147217453, gnomAD 0.006%). This variant has not been reported in the literature in individuals affected with PCK2-related conditions. ClinVar contains an entry for this variant (Variation ID: 2082553). Invitae Evidence Modeling of protein sequence and biophysical properties (such as structural, functional, and spatial information, amino acid conservation, physicochemical variation, residue mobility, and thermodynamic stability) indicates that this missense variant is expected to disrupt PCK2 protein function with a positive predictive value of 80%. In summary, the available evidence is currently insufficient to determine the role of this variant in disease. Therefore, it has been classified as a Variant of Uncertain Significance.

NM_004563.4(PCK2):c.1093G>A (p.Ala365Thr)

Genes: NRL (neural retina leucine zipper; minus strand), PCK2 (phosphoenolpyruvate carboxykinase 2, mitochondrial; plus strand). Cytogenetic location: 14q12.
Variant type: single nucleotide variant.
Coding change: c.1093G>A on transcript NM_004563.4 (MANE Select); coding-DNA position 1093, G replaced by A.
Protein change: p.Ala365Thr; replaces alanine 365 with threonine.
Molecular consequence: missense variant. On other transcripts: intron variant (3).
Genome position (GRCh38, 1-based): chr14:24,100,072, G>A. VCF-style: chr14-24100072-G-A. GRCh37 (hg19) VCF-style: chr14-24569281-G-A.
Other names: c.1093G>A, p.Ala365Thr (NM_001018073.3); c.691G>A, p.Ala231Thr (NM_001291556.2, NM_001308054.2); c.-28+14650C>T (NM_001354768.3, NM_001354770.2); c.-254+14650C>T (NM_006177.5); short protein forms A231T, A365T.
Identifiers: ClinVar variation 2082553 (VCV002082553.4), dbSNP rs147217453, ClinGen allele CA7123367.
Genomic context (GRCh38, chr14:24,100,072, plus strand): 5'-AACCCTGAGAACGGCTTCTTTGGGGTTGCCCCTGGTACCTCTGCCACCACCAATCCCAAC[G>A]CCATGGCTACAATCCAGAGTAACACTATTTTTACCAATGTGGCTGAGACCAGTGATGGTG-3'
Protein context (NP_004554.3, residues 355-375): PGTSATTNPN[Ala365Thr]MATIQSNTIF